The following is an entry in ClinVar:

NM_001377229.1(DISP1):c.1866C>T (p.Asn622=)

Gene: DISP1 (dispatched RND transporter family member 1; plus strand). Cytogenetic location: 1q41.
Variant type: single nucleotide variant.
Coding change: c.1866C>T on transcript NM_001377229.1 (MANE Select); coding-DNA position 1866, C replaced by T.
Protein change: p.Asn622=; no amino-acid change (asparagine 622 retained).
Molecular consequence: synonymous variant.
Genome position (GRCh38, 1-based): chr1:223,003,263, C>T. VCF-style: chr1-223003263-C-T. GRCh37 (hg19) VCF-style: chr1-223176605-C-T.
Other names: c.1137C>T, p.Asn379= (NM_001350630.2); c.1866C>T, p.Asn622= (NM_001369594.1, NM_001377228.1, NM_032890.5).
Identifiers: ClinVar variation 3060660 (VCV003060660.2), dbSNP rs2528299284, ClinGen allele CA423722549.

ClinVar aggregate classification (germline): Likely benign (0 of 4 stars; one submission).

Conditions:
DISP1-related disorder. Also called: DISP1-related condition.

Allele frequency attached by ClinVar (database versions not stated): gnomAD exomes below 0.00001.
gnomAD v4.1: 2 of 1,614,232 alleles (0.00012%); highest among the groups gnomAD compares: Non-Finnish European, 0.00017%; no homozygotes.

Submission:

PreventionGenetics, part of Exact Sciences
Classification: Likely benign for DISP1-related condition. Last evaluated: 2021-06-17. Review status: no assertion criteria provided. Collection method: clinical testing. Allele origin: germline.
Comment: This variant is classified as likely benign based on ACMG/AMP sequence variant interpretation guidelines (Richards et al. 2015 PMID: 25741868, with internal and published modifications).